The following is an entry in ClinVar:

NM_001378964.1(CDON):c.1718G>A (p.Gly573Asp)

Gene: CDON (cell adhesion associated, oncogene regulated; minus strand). Cytogenetic location: 11q24.2.
Variant type: single nucleotide variant.
Coding change: c.1718G>A on transcript NM_001378964.1 (MANE Select); coding-DNA position 1718, G replaced by A.
Protein change: p.Gly573Asp; replaces glycine 573 with aspartic acid.
Molecular consequence: missense variant.
Genome position (GRCh38, 1-based): chr11:126,005,892, C>T on the plus strand (G>A on the coding strand, the complement: CDON is on the minus strand). VCF-style: chr11-126005892-C-T. GRCh37 (hg19) VCF-style: chr11-125875787-C-T.
Other names: c.1718G>A, p.Gly573Asp (NM_001243597.3, NM_016952.6); short protein forms G573D.
Identifiers: ClinVar variation 1019125 (VCV001019125.8), dbSNP rs766454242, ClinGen allele CA383208677.

ClinVar aggregate classification (germline): Uncertain significance (1 of 4 stars; one submission).

Conditions:
Holoprosencephaly 11 (HPE11). Identifiers: Orphanet 2162, MedGen C3280215, MONDO:0013642, OMIM 614226.

Submission:

Labcorp Genetics (formerly Invitae), Labcorp
Classification: Uncertain significance for Holoprosencephaly 11. Last evaluated: 2020-07-31. Review status: criteria provided, single submitter. Criteria: Invitae Variant Classification Sherloc (09022015). Collection method: clinical testing. Allele origin: germline.
Comment: This variant has not been reported in the literature in individuals with CDON-related conditions. This variant is not present in population databases (ExAC no frequency). This sequence change replaces glycine with aspartic acid at codon 573 of the CDON protein (p.Gly573Asp). The glycine residue is moderately conserved and there is a moderate physicochemical difference between glycine and aspartic acid. In summary, the available evidence is currently insufficient to determine the role of this variant in disease. Therefore, it has been classified as a Variant of Uncertain Significance. Algorithms developed to predict the effect of missense changes on protein structure and function are either unavailable or do not agree on the potential impact of this missense change (SIFT: "Tolerated"; PolyPhen-2: "Possibly Damaging"; Align-GVGD: "Class C0").